The following is an entry in ClinVar:

NM_006506.5(RASA2):c.2230G>T (p.Val744Phe)

Gene: RASA2 (RAS p21 protein activator 2; plus strand). Cytogenetic location: 3q23.
Variant type: single nucleotide variant.
Coding change: c.2230G>T on transcript NM_006506.5 (MANE Select); coding-DNA position 2230, G replaced by T.
Protein change: p.Val744Phe; replaces valine 744 with phenylalanine.
Molecular consequence: missense variant.
Genome position (GRCh38, 1-based): chr3:141,609,424, G>T. VCF-style: chr3-141609424-G-T. GRCh37 (hg19) VCF-style: chr3-141328266-G-T.
Other names: c.2233G>T, p.Val745Phe (NM_001303245.3); c.2242G>T, p.Val748Phe (NM_001303246.3); short protein forms V745F, V748F, V744F.
Identifiers: ClinVar variation 918098 (VCV000918098.3), dbSNP rs1463774211, ClinGen allele CA354776453.

ClinVar aggregate classification (germline): Uncertain significance. Review status: criteria provided, multiple submitters, no conflicts (2 of 4 stars). 2 submissions from 2 submitters: Uncertain significance (2). Last evaluated 2021-10-29.

Allele frequency attached by ClinVar (database versions not stated): TOPMed 0.00001; gnomAD exomes below 0.00001.
gnomAD v4.1: 23 of 1,562,240 alleles (0.0015%); highest among the groups gnomAD compares: Non-Finnish European, 0.0018%; no homozygotes.

Submissions (2):

Ambry Genetics
Classification: Uncertain significance. Last evaluated: 2021-10-29. Review status: criteria provided, single submitter. Criteria: Ambry Variant Classification Scheme 2023. Collection method: clinical testing. Allele origin: germline.
Comment: The p.V744F variant (also known as c.2230G>T), located in coding exon 22 of the RASA2 gene, results from a G to T substitution at nucleotide position 2230. The valine at codon 744 is replaced by phenylalanine, an amino acid with highly similar properties. This amino acid position is conserved. In addition, this alteration is predicted to be tolerated by in silico analysis. Since supporting evidence is limited at this time, the clinical significance of this alteration remains unclear.

Women's Health and Genetics/Laboratory Corporation of America, LabCorp
Classification: Uncertain significance. Last evaluated: 2020-03-30. Review status: criteria provided, single submitter. Criteria: LabCorp Variant Classification Summary - May 2015. Collection method: clinical testing. Allele origin: germline.
Comment: Variant summary: RASA2 c.2230G>T (p.Val744Phe) results in a non-conservative amino acid change in the encoded protein sequence. Three of five in-silico tools predict a benign effect of the variant on protein function. The variant allele was found at a frequency of 4.2e-06 in 237998 control chromosomes. The available data on variant occurrences in the general population are insufficient to allow any conclusion about variant significance. To our knowledge, no occurrence of c.2230G>T in individuals affected with Noonan Syndrome and Related Conditions and no experimental evidence demonstrating its impact on protein function have been reported. Co-occurrence with another pathogenic variant has been reported (RIT1 c.268A>G, p.Met90Val) for this variant. No clinical diagnostic laboratories have submitted clinical-significance assessments for this variant to ClinVar after 2014. Based on the evidence outlined above, the variant was classified as uncertain significance.